The following is an entry in ClinVar:

ClinVar aggregate classification (germline): Conflicting classifications of pathogenicity. Review status: criteria provided, conflicting classifications (1 of 4 stars). 3 submissions from 3 submitters: Uncertain significance (2); Benign (1). Last evaluated 2025-10-28.

Conditions:
Hereditary cancer-predisposing syndrome. Also called: Hereditary neoplastic syndrome; Neoplastic Syndromes, Hereditary; Tumor predisposition; Hereditary Cancer Syndrome. Identifiers: Orphanet 140162, MedGen C0027672, MeSH D009386, MONDO:0015356.
Fanconi anemia complementation group O. Also called: RAD51C-Related Fanconi Anemia. Identifiers: Orphanet 84, MedGen C3150653, MONDO:0013248, OMIM 613390.

gnomAD v4.1: 16 of 1,612,062 alleles (0.00099%); highest among the groups gnomAD compares: Non-Finnish European, 0.0014%; no homozygotes.

Submissions (3):

Ambry Genetics
Classification: Benign for Hereditary cancer-predisposing syndrome. Last evaluated: 2025-10-28. Review status: criteria provided, single submitter. Criteria: Ambry Variant Classification Scheme 2023. Collection method: clinical testing. Allele origin: germline.

Labcorp Genetics (formerly Invitae), Labcorp
Classification: Uncertain significance for Fanconi anemia complementation group O. Last evaluated: 2025-02-09. Review status: criteria provided, single submitter. Criteria: Invitae Variant Classification Sherloc (09022015). Collection method: clinical testing. Allele origin: germline.
Comment: This sequence change replaces serine, which is neutral and polar, with leucine, which is neutral and non-polar, at codon 231 of the RAD51C protein (p.Ser231Leu). This variant is not present in population databases (gnomAD no frequency). This variant has not been reported in the literature in individuals affected with RAD51C-related conditions. ClinVar contains an entry for this variant (Variation ID: 409843). Invitae Evidence Modeling of protein sequence and biophysical properties (such as structural, functional, and spatial information, amino acid conservation, physicochemical variation, residue mobility, and thermodynamic stability) indicates that this missense variant is not expected to disrupt RAD51C protein function with a negative predictive value of 80%. In summary, the available evidence is currently insufficient to determine the role of this variant in disease. Therefore, it has been classified as a Variant of Uncertain Significance.

Color Diagnostics, LLC DBA Color Health
Classification: Uncertain significance for Hereditary cancer-predisposing syndrome. Last evaluated: 2022-11-16. Review status: criteria provided, single submitter. Criteria: ACMG Guidelines, 2015. Collection method: clinical testing. Allele origin: germline.
Comment: This missense variant replaces serine with leucine at codon 231 of the RAD51C protein. Computational prediction suggests that this variant may not impact protein structure and function (internally defined REVEL score threshold <= 0.5, PMID: 27666373). To our knowledge, functional studies have not been reported for this variant. This variant has not been reported in individuals affected with RAD51C-related disorders in the literature. This variant has not been identified in the general population by the Genome Aggregation Database (gnomAD). The available evidence is insufficient to determine the role of this variant in disease conclusively. Therefore, this variant is classified as a Variant of Uncertain Significance.

NM_058216.3(RAD51C):c.692C>T (p.Ser231Leu)

Genes: RAD51C (RAD51 paralog C; plus strand), LOC129390903 (MPRA-validated peak2919 silencer; plus strand). Cytogenetic location: 17q22.
Variant type: single nucleotide variant.
Coding change: c.692C>T on transcript NM_058216.3 (MANE Select); coding-DNA position 692, C replaced by T.
Protein change: p.Ser231Leu; replaces serine 231 with leucine.
Molecular consequence: missense variant. On other transcripts: non-coding transcript variant (1).
Genome position (GRCh38, 1-based): chr17:58,703,316, C>T. VCF-style: chr17-58703316-C-T. GRCh37 (hg19) VCF-style: chr17-56780677-C-T.
Other names: c.692C>T (NM_058216.1); short protein forms S231L.
Identifiers: ClinVar variation 409843 (VCV000409843.14), dbSNP rs1060502588, ClinGen allele CA16615457.